The following is an entry in ClinVar:

ClinVar aggregate classification (germline): Uncertain significance (1 of 4 stars; one submission).

Submission:

Labcorp Genetics (formerly Invitae), Labcorp
Classification: Uncertain significance. Last evaluated: 2023-12-18. Review status: criteria provided, single submitter. Criteria: Invitae Variant Classification Sherloc (09022015). Collection method: clinical testing. Allele origin: unknown.
Comment: A copy number gain of the genomic region encompassing the full coding sequence of the EXOSC8 gene has been identified. The boundaries of this event are unknown as they extend beyond the assayed region for this gene and therefore may encompass additional genes. As the precise location of this event is unknown, it may be in tandem or it may be located elsewhere in the genome. This variant has not been reported in the literature in individuals affected with EXOSC8-related conditions. In summary, the available evidence is currently insufficient to determine the role of this variant in disease. Therefore, it has been classified as a Variant of Uncertain Significance.

NC_000013.10:g.(?_36878502)_(40325230_?)dup

Genes: ALG5 (ALG5 dolichyl-phosphate beta-glucosyltransferase; minus strand), CCNA1 (cyclin A1; plus strand), COG6 (component of oligomeric golgi complex 6; plus strand), CSNK1A1L (casein kinase 1 alpha 1 like; minus strand), EXOSC8 (exosome component 8; plus strand) and 13 more. Cytogenetic location: 13q13.3-14.11.
Variant type: Duplication.
Identifiers: ClinVar variation 3244229 (VCV003244229.1).